The following is an entry in ClinVar:

ClinVar aggregate classification (germline): Uncertain significance (1 of 4 stars; one submission).

Submission:

GeneDx
Classification: Uncertain significance. Last evaluated: 2024-10-07. Review status: criteria provided, single submitter. Criteria: GeneDx Variant Classification Process June 2021. Collection method: clinical testing. Allele origin: germline. Affected: yes.
Comment: Not observed at significant frequency in large population cohorts (gnomAD); In silico analysis indicates that this missense variant does not alter protein structure/function; Has not been previously published as pathogenic or benign to our knowledge

NM_181552.4(CUX1):c.2504C>G (p.Ala835Gly)

Gene: CUX1 (cut like homeobox 1; plus strand). Cytogenetic location: 7q22.1.
Variant type: single nucleotide variant.
Coding change: c.2504C>G on transcript NM_181552.4 (MANE Select); coding-DNA position 2504, C replaced by G.
Protein change: p.Ala835Gly; replaces alanine 835 with glycine.
Molecular consequence: missense variant. On other transcripts: intron variant (5).
Genome position (GRCh38, 1-based): chr7:102,201,801, C>G. VCF-style: chr7-102201801-C-G. GRCh37 (hg19) VCF-style: chr7-101845081-C-G.
Other names: c.2537C>G, p.Ala846Gly (NM_001202543.2); c.1255+6198C>G (NM_001913.5); c.1249+6198C>G (NM_181500.4); c.1117+6198C>G (NM_001202545.3); c.1207+6198C>G (NM_001202544.3); c.1138+6198C>G (NM_001202546.3); short protein forms A835G, A846G.
Identifiers: ClinVar variation 3776607 (VCV003776607.1).